The following is an entry in ClinVar:

ClinVar aggregate classification (germline): Uncertain significance (1 of 4 stars; one submission).

Conditions:
Dilated cardiomyopathy 1J (CMD1J). Also called: CARDIOMYOPATHY, DILATED, WITH SENSORINEURAL HEARING LOSS, AUTOSOMAL DOMINANT. Identifiers: Orphanet 217622, MedGen C1854368, MONDO:0011541, OMIM 605362.

Submission:

Labcorp Genetics (formerly Invitae), Labcorp
Classification: Uncertain significance for Dilated cardiomyopathy 1J. Last evaluated: 2022-04-24. Review status: criteria provided, single submitter. Criteria: Invitae Variant Classification Sherloc (09022015). Collection method: clinical testing. Allele origin: germline.
Comment: In summary, the available evidence is currently insufficient to determine the role of this variant in disease. Therefore, it has been classified as a Variant of Uncertain Significance. This variant has not been reported in the literature in individuals affected with EYA4-related conditions. This variant results in a copy number gain of the genomic region encompassing exon(s) 2 of the EYA4 gene. This region includes the initiator codon of the gene. This copy number gain extends beyond the assayed region for this gene and therefore may encompass additional genes. As the precise location of this event is unknown, it may be in tandem or it may be located elsewhere in the genome.

NC_000006.11:g.(?_133595919)_(133595971_?)dup

Gene: EYA4 (EYA transcriptional coactivator and phosphatase 4; plus strand). Cytogenetic location: 6q23.2.
Variant type: Duplication.
Identifiers: ClinVar variation 2425023 (VCV002425023.4).